The following is an entry in ClinVar:

NM_001371279.1(REEP1):c.317G>T (p.Cys106Phe)

Gene: REEP1 (receptor accessory protein 1; minus strand). Cytogenetic location: 2p11.2.
Variant type: single nucleotide variant.
Coding change: c.317G>T on transcript NM_001371279.1 (MANE Select); coding-DNA position 317, G replaced by T.
Protein change: p.Cys106Phe; replaces cysteine 106 with phenylalanine.
Molecular consequence: missense variant. On other transcripts: intron variant (1).
Genome position (GRCh38, 1-based): chr2:86,252,057, C>A on the plus strand (G>T on the coding strand, the complement: REEP1 is on the minus strand). VCF-style: chr2-86252057-C-A. GRCh37 (hg19) VCF-style: chr2-86479180-C-A.
Other names: c.338G>T, p.Cys113Phe (NM_001164730.2); c.236G>T, p.Cys79Phe (NM_001164731.2); c.317G>T, p.Cys106Phe (NM_001371280.1, NM_001410855.1, NM_001410856.1 and 1 more transcripts); c.182+11908G>T (NM_001164732.2); short protein forms C106F, C113F, C79F.
Identifiers: ClinVar variation 4722341 (VCV004722341.1).

ClinVar aggregate classification (germline): Uncertain significance (1 of 4 stars; one submission).

Conditions:
Hereditary spastic paraplegia 31. Also called: SPASTIC PARAPLEGIA 31, AUTOSOMAL DOMINANT. Identifiers: Orphanet 101011, MedGen C1853247, MONDO:0012453, OMIM 610250.

gnomAD v4.1: 1 of 1,613,152 alleles (0.000062%); highest among the groups gnomAD compares: Non-Finnish European, 0.000085%; no homozygotes.

Submission:

Labcorp Genetics (formerly Invitae), Labcorp
Classification: Uncertain significance for Hereditary spastic paraplegia 31. Last evaluated: 2025-09-11. Review status: criteria provided, single submitter. Criteria: Invitae Variant Classification Sherloc (09022015). Collection method: clinical testing. Allele origin: germline.
Comment: This sequence change replaces cysteine, which is neutral and slightly polar, with phenylalanine, which is neutral and non-polar, at codon 106 of the REEP1 protein (p.Cys106Phe). This variant is not present in population databases (gnomAD no frequency). This variant has not been reported in the literature in individuals affected with REEP1-related conditions. An algorithm developed to predict the effect of missense changes on protein structure and function (PolyPhen-2) suggests that this variant is likely to be tolerated. In summary, the available evidence is currently insufficient to determine the role of this variant in disease. Therefore, it has been classified as a Variant of Uncertain Significance.